The following is an entry in ClinVar:

NM_014714.4(IFT140):c.1872G>T (p.Thr624=)

Gene: IFT140 (intraflagellar transport 140; minus strand). Cytogenetic location: 16p13.3.
Variant type: single nucleotide variant.
Coding change: c.1872G>T on transcript NM_014714.4 (MANE Select); coding-DNA position 1872, G replaced by T.
Protein change: p.Thr624=; no amino-acid change (threonine 624 retained).
Molecular consequence: synonymous variant.
Genome position (GRCh38, 1-based): chr16:1,566,190, C>A on the plus strand (G>T on the coding strand, the complement: IFT140 is on the minus strand). VCF-style: chr16-1566190-C-A. GRCh37 (hg19) VCF-style: chr16-1616191-C-A.
Other names: c.1872G>T (NM_014714.3).
Identifiers: ClinVar variation 1590807 (VCV001590807.9), dbSNP rs775156902, ClinGen allele CA7814111.

ClinVar aggregate classification (germline): Likely benign. Review status: criteria provided, multiple submitters, no conflicts (2 of 4 stars). 2 submissions from 2 submitters: Likely benign (2). Last evaluated 2025-02-19.

Conditions:
IFT140-related disorder. Also called: IFT140-related condition.
Saldino-Mainzer syndrome (SRTD9). Also called: SHORT-RIB THORACIC DYSPLASIA 9 WITHOUT POLYDACTYLY; Renal dysplasia, retinal pigmentary dystrophy, cerebellar ataxia and skeletal dysplasia; CONORENAL SYNDROME; short-rib thoracic dysplasia 9 with or without polydactyly. Identifiers: Orphanet 140969, MedGen C1849437, MONDO:0009964, OMIM 266920.

gnomAD v4.1: 4 of 1,613,712 alleles (0.00025%); highest among the groups gnomAD compares: South Asian, 0.0044%; no homozygotes.

Submissions (2):

PreventionGenetics, part of Exact Sciences
Classification: Likely benign for IFT140-related condition. Last evaluated: 2025-02-19. Review status: criteria provided, single submitter. Criteria: ACMG Guidelines, 2015. Collection method: clinical testing. Allele origin: germline.
Comment: This variant is classified as likely benign based on ACMG/AMP sequence variant interpretation guidelines (Richards et al. 2015 PMID: 25741868, with internal and published modifications).

Labcorp Genetics (formerly Invitae), Labcorp
Classification: Likely benign for Saldino-Mainzer syndrome. Last evaluated: 2024-11-11. Review status: criteria provided, single submitter. Criteria: Invitae Variant Classification Sherloc (09022015). Collection method: clinical testing. Allele origin: germline.